The following is an entry in ClinVar:

NM_004006.3(DMD):c.5750G>T (p.Arg1917Leu)

Gene: DMD (dystrophin; minus strand). Cytogenetic location: Xp21.1.
Variant type: single nucleotide variant.
Coding change: c.5750G>T on transcript NM_004006.3 (MANE Select); coding-DNA position 5750, G replaced by T.
Protein change: p.Arg1917Leu; replaces arginine 1917 with leucine.
Molecular consequence: missense variant.
Genome position (GRCh38, 1-based): chrX:32,342,272, C>A on the plus strand (G>T on the coding strand, the complement: DMD is on the minus strand). VCF-style: chrX-32342272-C-A. GRCh37 (hg19) VCF-style: chrX-32360389-C-A.
Other names: c.5726G>T, p.Arg1909Leu (NM_000109.4); c.5738G>T, p.Arg1913Leu (NM_004009.3); c.5381G>T, p.Arg1794Leu (NM_004010.3); c.1727G>T, p.Arg576Leu (NM_004011.4); c.1718G>T, p.Arg573Leu (NM_004012.4); short protein forms R1794L, R1917L, R573L, R1913L, R576L, R1909L.
Identifiers: ClinVar variation 2812421 (VCV002812421.3), dbSNP rs760528813, ClinGen allele CA412665339.

ClinVar aggregate classification (germline): Uncertain significance (1 of 4 stars; one submission).

Conditions:
Duchenne muscular dystrophy (DMD). Also called: MUSCULAR DYSTROPHY, PSEUDOHYPERTROPHIC PROGRESSIVE, DUCHENNE TYPE; Duchenne Muscular Dystrophy (DMD). Identifiers: Orphanet 98896, MedGen C0013264, MONDO:0010679, OMIM 310200.

Submission:

Labcorp Genetics (formerly Invitae), Labcorp
Classification: Uncertain significance for Duchenne muscular dystrophy. Last evaluated: 2023-11-10. Review status: criteria provided, single submitter. Criteria: Invitae Variant Classification Sherloc (09022015). Collection method: clinical testing. Allele origin: germline.
Comment: This sequence change replaces arginine, which is basic and polar, with leucine, which is neutral and non-polar, at codon 1917 of the DMD protein (p.Arg1917Leu). This variant is not present in population databases (gnomAD no frequency). This variant has not been reported in the literature in individuals affected with DMD-related conditions. Advanced modeling of protein sequence and biophysical properties (such as structural, functional, and spatial information, amino acid conservation, physicochemical variation, residue mobility, and thermodynamic stability) performed at Invitae indicates that this missense variant is not expected to disrupt DMD protein function with a negative predictive value of 95%. In summary, the available evidence is currently insufficient to determine the role of this variant in disease. Therefore, it has been classified as a Variant of Uncertain Significance.